The following is an entry in ClinVar:

NM_001035.3(RYR2):c.3502A>T (p.Met1168Leu)

Gene: RYR2 (ryanodine receptor 2; plus strand). Cytogenetic location: 1q43.
Variant type: single nucleotide variant.
Coding change: c.3502A>T on transcript NM_001035.3 (MANE Select); coding-DNA position 3502, A replaced by T.
Protein change: p.Met1168Leu; replaces methionine 1168 with leucine.
Molecular consequence: missense variant.
Genome position (GRCh38, 1-based): chr1:237,569,223, A>T. VCF-style: chr1-237569223-A-T. GRCh37 (hg19) VCF-style: chr1-237732523-A-T.
Other names: short protein forms M1168L.
Identifiers: ClinVar variation 3385706 (VCV003385706.1).

ClinVar aggregate classification (germline): Uncertain significance (1 of 4 stars; one submission).

Conditions:
Catecholaminergic polymorphic ventricular tachycardia (CVPT). Also called: Catecholamine-induced polymorphic ventricular tachycardia. Identifiers: Orphanet 3286, MedGen C5574922, MONDO:0017990.

Submission:

All of Us Research Program, National Institutes of Health
Classification: Uncertain significance for Catecholaminergic polymorphic ventricular tachycardia. Last evaluated: 2024-04-25. Review status: criteria provided, single submitter. Criteria: ACMG Guidelines, 2015. Collection method: clinical testing. Allele origin: germline. Inheritance: Autosomal dominant inheritance. Observed: 1 variant allele, 1 heterozygote.
Comment: This missense variant replaces methionine with leucine at codon 1168 of the RYR2 protein. Computational prediction suggests that this variant may not impact protein structure and function (internally defined REVEL score threshold <= 0.5, PMID: 27666373). To our knowledge, functional studies have not been reported for this variant. This variant has not been reported in individuals affected with RYR2-related disorders in the literature. This variant has not been identified in the general population by the Genome Aggregation Database (gnomAD). The available evidence is insufficient to determine the role of this variant in disease conclusively. Therefore, this variant is classified as a Variant of Uncertain Significance.

This study involves interpretation of variants in research participants for the purpose of population health screening. Participant phenotype was not available at the time of variant classification. Additional details can be found in publication PMID: 35346344, PMCID: PMC8962531